The following is an entry in ClinVar:

NM_000038.6(APC):c.7816G>C (p.Val2606Leu)

Gene: APC (APC regulator of WNT signaling pathway; plus strand). Cytogenetic location: 5q22.2.
Variant type: single nucleotide variant.
Coding change: c.7816G>C on transcript NM_000038.6 (MANE Select); coding-DNA position 7816, G replaced by C.
Protein change: p.Val2606Leu; replaces valine 2606 with leucine.
Molecular consequence: missense variant. On other transcripts: non-coding transcript variant (2).
Genome position (GRCh38, 1-based): chr5:112,843,410, G>C. VCF-style: chr5-112843410-G-C. GRCh37 (hg19) VCF-style: chr5-112179107-G-C.
Other names: c.7693G>C, p.Val2565Leu (NM_001354900.2); c.7639G>C, p.Val2547Leu (NM_001354901.2, NM_001407453.1); c.7543G>C, p.Val2515Leu (NM_001354902.2); c.7513G>C, p.Val2505Leu (NM_001354903.2, NM_001407458.1, NM_001407459.1 and 1 more transcripts); c.7438G>C, p.Val2480Leu (NM_001354904.2); c.7336G>C, p.Val2446Leu (NM_001354905.2); c.6967G>C, p.Val2323Leu (NM_001354906.2, NM_001407470.1); c.7900G>C, p.Val2634Leu (NM_001407446.1); and 11 more; short protein forms V2323L, V2477L, V2505L, V2547L, V2588L, V2596L, V2222L, V2446L.
Identifiers: ClinVar variation 3572018 (VCV003572018.1).
Genomic context (GRCh38, chr5:112,843,410, plus strand): 5'-AGTGAGGATGAAAAACATGTGAACTCTATTTCAGGAACCAAACAAAGTAAAGAAAACCAA[G>C]TATCCGCAAAAGGAACATGGAGAAAAATAAAAGAAAATGAATTTTCTCCCACAAATAGTA-3'
Protein context (NP_000029.2, residues 2596-2616): SGTKQSKENQ[Val2606Leu]SAKGTWRKIK

ClinVar aggregate classification (germline): Uncertain significance (1 of 4 stars; one submission).

Submission:

Quest Diagnostics Nichols Institute San Juan Capistrano
Classification: Uncertain significance. Last evaluated: 2024-08-29. Review status: criteria provided, single submitter. Criteria: Quest Diagnostics criteria. Collection method: clinical testing. Allele origin: unknown.
Comment: The APC c.7816G>C (p.Val2606Leu) variant has not been reported in individuals with APC-related conditions in the published literature. It also has not been reported in large, multi-ethnic general populations (Genome Aggregation Database). Analysis of this variant using bioinformatics tools for the prediction of the effect of amino acid changes on protein structure and function yielded predictions that this variant is benign. Based on the available information, we are unable to determine the clinical significance of this variant.